The following is an entry in ClinVar:

ClinVar aggregate classification (germline): Uncertain significance. Review status: criteria provided, multiple submitters, no conflicts (2 of 4 stars). 2 submissions from 2 submitters: Uncertain significance (2). Last evaluated 2025-11-08.

Conditions:
Inborn genetic diseases. Identifiers: MedGen C0950123, MeSH D030342.

Submissions (2):

Ambry Genetics
Classification: Uncertain significance for Inborn genetic diseases. Last evaluated: 2025-11-08. Review status: criteria provided, single submitter. Criteria: Ambry Variant Classification Scheme 2023. Collection method: clinical testing. Allele origin: germline.

Labcorp Genetics (formerly Invitae), Labcorp
Classification: Uncertain significance. Last evaluated: 2022-08-05. Review status: criteria provided, single submitter. Criteria: Invitae Variant Classification Sherloc (09022015). Collection method: clinical testing. Allele origin: germline.
Comment: In summary, the available evidence is currently insufficient to determine the role of this variant in disease. Therefore, it has been classified as a Variant of Uncertain Significance. Algorithms developed to predict the effect of missense changes on protein structure and function are either unavailable or do not agree on the potential impact of this missense change (SIFT: "Deleterious"; PolyPhen-2: "Probably Damaging"; Align-GVGD: "Class C0"). This variant has not been reported in the literature in individuals affected with HSPG2-related conditions. This variant is not present in population databases (gnomAD no frequency). This sequence change replaces cysteine, which is neutral and slightly polar, with tyrosine, which is neutral and polar, at codon 3365 of the HSPG2 protein (p.Cys3365Tyr).

NM_005529.7(HSPG2):c.10094G>A (p.Cys3365Tyr)

Gene: HSPG2 (heparan sulfate proteoglycan 2; minus strand). Cytogenetic location: 1p36.12.
Variant type: single nucleotide variant.
Coding change: c.10094G>A on transcript NM_005529.7 (MANE Select); coding-DNA position 10094, G replaced by A.
Protein change: p.Cys3365Tyr; replaces cysteine 3365 with tyrosine.
Molecular consequence: missense variant.
Genome position (GRCh38, 1-based): chr1:21,838,881, C>T on the plus strand (G>A on the coding strand, the complement: HSPG2 is on the minus strand). VCF-style: chr1-21838881-C-T. GRCh37 (hg19) VCF-style: chr1-22165374-C-T.
Other names: c.10097G>A, p.Cys3366Tyr (NM_001291860.2); c.10094G>A (NM_005529.5); short protein forms C3365Y, C3366Y.
Identifiers: ClinVar variation 1715213 (VCV001715213.6), dbSNP rs2550653566, ClinGen allele CA338911636.